The following is an entry in ClinVar:

NM_198578.4(LRRK2):c.5789C>G (p.Pro1930Arg)

Gene: LRRK2 (leucine rich repeat kinase 2; plus strand). Cytogenetic location: 12q12.
Variant type: single nucleotide variant.
Coding change: c.5789C>G on transcript NM_198578.4 (MANE Select); coding-DNA position 5789, C replaced by G.
Protein change: p.Pro1930Arg; replaces proline 1930 with arginine.
Molecular consequence: missense variant.
Genome position (GRCh38, 1-based): chr12:40,334,998, C>G. VCF-style: chr12-40334998-C-G. GRCh37 (hg19) VCF-style: chr12-40728800-C-G.
Other names: short protein forms P1930R.
Identifiers: ClinVar variation 1749631 (VCV001749631.2), dbSNP rs1235657147, ClinGen allele CA384401912.

ClinVar aggregate classification (germline): Uncertain significance (1 of 4 stars; one submission).

Conditions:
Inborn genetic diseases. Identifiers: MedGen C0950123, MeSH D030342.

Allele frequency attached by ClinVar (database versions not stated): gnomAD 0.00001.
gnomAD v4.1: 5 of 1,613,952 alleles (0.00031%); highest among the groups gnomAD compares: Non-Finnish European, 0.00042%; no homozygotes.

Submission:

Ambry Genetics
Classification: Uncertain significance for Inborn genetic diseases. Last evaluated: 2023-11-03. Review status: criteria provided, single submitter. Criteria: Ambry Variant Classification Scheme 2023. Collection method: clinical testing. Allele origin: germline.
Comment: The p.P1930R variant (also known as c.5789C>G), located in coding exon 40 of the LRRK2 gene, results from a C to G substitution at nucleotide position 5789. The proline at codon 1930 is replaced by arginine, an amino acid with dissimilar properties. This amino acid position is conserved. In addition, this alteration is predicted to be deleterious by in silico analysis. Since supporting evidence is limited at this time, the clinical significance of this alteration remains unclear.